The following is an entry in ClinVar:

NM_025233.7(COASY):c.946C>T (p.Gln316Ter)

Gene: COASY (Coenzyme A synthase; plus strand). Cytogenetic location: 17q21.2.
Variant type: single nucleotide variant.
Coding change: c.946C>T on transcript NM_025233.7 (MANE Select); coding-DNA position 946, C replaced by T.
Protein change: p.Gln316Ter; replaces glutamine 316 with a stop codon.
Molecular consequence: nonsense.
Genome position (GRCh38, 1-based): chr17:42,564,476, C>T. VCF-style: chr17-42564476-C-T. GRCh37 (hg19) VCF-style: chr17-40716494-C-T.
Other names: c.946C>T, p.Gln316Ter (NM_001042529.3); c.1033C>T, p.Gln345Ter (NM_001042532.4); short protein forms Q316*, Q345*.
Identifiers: ClinVar variation 2114435 (VCV002114435.4), dbSNP rs2092992348, ClinGen allele CA399596216.

ClinVar aggregate classification (germline): Pathogenic (1 of 4 stars; one submission).

Conditions:
Neurodegeneration with brain iron accumulation 6 (NBIA6). Also called: COASY protein-associated neurodegeneration. Identifiers: Orphanet 397725, MedGen C4517377, MONDO:0014290, OMIM 615643.

Allele frequency attached by ClinVar (database versions not stated): gnomAD exomes below 0.00001; TOPMed 0.00001.

Submission:

Labcorp Genetics (formerly Invitae), Labcorp
Classification: Pathogenic for Neurodegeneration with brain iron accumulation 6. Last evaluated: 2022-04-24. Review status: criteria provided, single submitter. Criteria: Invitae Variant Classification Sherloc (09022015). Collection method: clinical testing. Allele origin: germline.
Comment: This variant has not been reported in the literature in individuals affected with COASY-related conditions. For these reasons, this variant has been classified as Pathogenic. This variant is not present in population databases (gnomAD no frequency). This sequence change creates a premature translational stop signal (p.Gln316*) in the COASY gene. It is expected to result in an absent or disrupted protein product. Loss-of-function variants in COASY are known to be pathogenic (PMID: 24360804, 30089828).

Literature cited by the submitters: PubMed 24360804; PubMed 30089828.